The following is an entry in ClinVar:

NM_000744.7(CHRNA4):c.1574A>G (p.Gln525Arg)

Gene: CHRNA4 (cholinergic receptor nicotinic alpha 4 subunit; minus strand). Cytogenetic location: 20q13.33.
Variant type: single nucleotide variant.
Coding change: c.1574A>G on transcript NM_000744.7 (MANE Select); coding-DNA position 1574, A replaced by G.
Protein change: p.Gln525Arg; replaces glutamine 525 with arginine.
Molecular consequence: missense variant. On other transcripts: non-coding transcript variant (1).
Genome position (GRCh38, 1-based): chr20:63,349,837, T>C on the plus strand (A>G on the coding strand, the complement: CHRNA4 is on the minus strand). VCF-style: chr20-63349837-T-C. GRCh37 (hg19) VCF-style: chr20-61981189-T-C.
Other names: c.1046A>G, p.Gln349Arg (NM_001256573.2); short protein forms Q349R, Q525R.
Identifiers: ClinVar variation 857209 (VCV000857209.3), dbSNP rs1445972429, ClinGen allele CA409632876.

ClinVar aggregate classification (germline): Uncertain significance (1 of 4 stars; one submission).

Conditions:
Familial sleep-related hypermotor epilepsy. Also called: Autosomal Dominant Sleep-Related Hypermotor (Hyperkinetic) Epilepsy. Identifiers: Orphanet 98784, MedGen C3696898, MONDO:0000030.

Allele frequency attached by ClinVar (database versions not stated): gnomAD exomes below 0.00001; TOPMed below 0.00001.

Submission:

Labcorp Genetics (formerly Invitae), Labcorp
Classification: Uncertain significance. Last evaluated: 2024-05-18. Review status: criteria provided, single submitter. Criteria: Invitae Variant Classification Sherloc (09022015). Collection method: clinical testing. Allele origin: germline.
Comment: This sequence change replaces glutamine, which is neutral and polar, with arginine, which is basic and polar, at codon 525 of the CHRNA4 protein (p.Gln525Arg). This variant is present in population databases (no rsID available, gnomAD 0.005%). This variant has not been reported in the literature in individuals affected with CHRNA4-related conditions. ClinVar contains an entry for this variant (Variation ID: 857209). Advanced modeling of protein sequence and biophysical properties (such as structural, functional, and spatial information, amino acid conservation, physicochemical variation, residue mobility, and thermodynamic stability) performed at Invitae indicates that this missense variant is not expected to disrupt CHRNA4 protein function with a negative predictive value of 80%. In summary, the available evidence is currently insufficient to determine the role of this variant in disease. Therefore, it has been classified as a Variant of Uncertain Significance.